The following is an entry in ClinVar:

NM_004706.4(ARHGEF1):c.2405-3C>T

Gene: ARHGEF1 (Rho guanine nucleotide exchange factor 1; plus strand). Cytogenetic location: 19q13.2.
Variant type: single nucleotide variant.
Coding change: c.2405-3C>T on transcript NM_004706.4 (MANE Select); 3 bases into the intron before coding-DNA position 2405, C replaced by T.
Molecular consequence: intron variant.
Genome position (GRCh38, 1-based): chr19:41,905,936, C>T. VCF-style: chr19-41905936-C-T. GRCh37 (hg19) VCF-style: chr19-42410088-C-T.
Other names: c.2405-3C>T (NM_001396003.1, NM_001396006.1); c.2306-3C>T (NM_001396002.1, NM_198977.2, NM_001396004.1); c.2573-3C>T (NM_001396000.1); c.2450-3C>T (NM_199002.2).
Identifiers: ClinVar variation 2823813 (VCV002823813.3), dbSNP rs368319532, ClinGen allele CA645602922.

ClinVar aggregate classification (germline): Uncertain significance (1 of 4 stars; one submission).

Submission:

Labcorp Genetics (formerly Invitae), Labcorp
Classification: Uncertain significance. Last evaluated: 2023-02-10. Review status: criteria provided, single submitter. Criteria: Invitae Variant Classification Sherloc (09022015). Collection method: clinical testing. Allele origin: germline.
Comment: This variant is not present in population databases (gnomAD no frequency). This variant has not been reported in the literature in individuals affected with ARHGEF1-related conditions. Variants that disrupt the consensus splice site are a relatively common cause of aberrant splicing (PMID: 17576681, 9536098). Algorithms developed to predict the effect of sequence changes on RNA splicing suggest that this variant is not likely to affect RNA splicing. In summary, the available evidence is currently insufficient to determine the role of this variant in disease. Therefore, it has been classified as a Variant of Uncertain Significance. This sequence change falls in intron 25 of the ARHGEF1 gene. It does not directly change the encoded amino acid sequence of the ARHGEF1 protein. It affects a nucleotide within the consensus splice site.

Literature cited by the submitters: PubMed 17576681; PubMed 9536098.